The following is an entry in ClinVar:

NM_000051.4(ATM):c.778C>G (p.Pro260Ala)

Gene: ATM (ATM serine/threonine kinase; plus strand). Cytogenetic location: 11q22.3.
Variant type: single nucleotide variant.
Coding change: c.778C>G on transcript NM_000051.4 (MANE Select); coding-DNA position 778, C replaced by G.
Protein change: p.Pro260Ala; replaces proline 260 with alanine.
Molecular consequence: missense variant.
Genome position (GRCh38, 1-based): chr11:108,244,903, C>G. VCF-style: chr11-108244903-C-G. GRCh37 (hg19) VCF-style: chr11-108115630-C-G.
Other names: c.778C>G, p.Pro260Ala (NM_001351834.2); short protein forms P260A.
Identifiers: ClinVar variation 216232 (VCV000216232.8), dbSNP rs863224581, ClinGen allele CA339138.

ClinVar aggregate classification (germline): Uncertain significance. Review status: criteria provided, multiple submitters, no conflicts (2 of 4 stars). 2 submissions from 2 submitters: Uncertain significance (2). Last evaluated 2024-11-22.

Conditions:
Hereditary cancer-predisposing syndrome. Also called: Tumor predisposition; Hereditary Cancer Syndrome; Neoplastic Syndromes, Hereditary; Hereditary neoplastic syndrome. Identifiers: Orphanet 140162, MedGen C0027672, MeSH D009386, MONDO:0015356.
Ataxia-telangiectasia syndrome (AT). Also called: Cerebello-oculocutaneous telangiectasia; Immunodeficiency with ataxia telangiectasia; Ataxia telangiectasia (A-T); LOUIS-BAR SYNDROME; ATAXIA-TELANGIECTASIA, COMPLEMENTATION GROUP A; ATAXIA-TELANGIECTASIA, FRESNO VARIANT. Identifiers: Orphanet 100, MedGen C0004135, MONDO:0008840, OMIM 208900.

Submissions (2):

Ambry Genetics
Classification: Uncertain significance for Hereditary cancer-predisposing syndrome. Last evaluated: 2024-11-22. Review status: criteria provided, single submitter. Criteria: Ambry Variant Classification Scheme 2023. Collection method: clinical testing. Allele origin: germline.
Comment: The p.P260A variant (also known as c.778C>G), located in coding exon 6 of the ATM gene, results from a C to G substitution at nucleotide position 778. The proline at codon 260 is replaced by alanine, an amino acid with highly similar properties. This amino acid position is conserved. In addition, the in silico prediction for this alteration is inconclusive. Based on the available evidence, the clinical significance of this variant remains unclear.

Labcorp Genetics (formerly Invitae), Labcorp
Classification: Uncertain significance for Ataxia-telangiectasia syndrome. Last evaluated: 2024-05-26. Review status: criteria provided, single submitter. Criteria: Invitae Variant Classification Sherloc (09022015). Collection method: clinical testing. Allele origin: germline.
Comment: This sequence change replaces proline, which is neutral and non-polar, with alanine, which is neutral and non-polar, at codon 260 of the ATM protein (p.Pro260Ala). This variant is not present in population databases (gnomAD no frequency). This variant has not been reported in the literature in individuals affected with ATM-related conditions. ClinVar contains an entry for this variant (Variation ID: 216232). An algorithm developed to predict the effect of missense changes on protein structure and function (PolyPhen-2) suggests that this variant is likely to be disruptive. In summary, the available evidence is currently insufficient to determine the role of this variant in disease. Therefore, it has been classified as a Variant of Uncertain Significance.